The following is an entry in ClinVar:

ClinVar aggregate classification (germline): Uncertain significance (1 of 4 stars; one submission).

Conditions:
Inflammatory bowel disease 25. Also called: Inflammatory bowel disease 25, early onset, autosomal recessive. Identifiers: Orphanet 238569, MedGen C2675508, MONDO:0012941, OMIM 612567.

Allele frequency attached by ClinVar (database versions not stated): TOPMed below 0.00001.

Submission:

Labcorp Genetics (formerly Invitae), Labcorp
Classification: Uncertain significance for Inflammatory bowel disease 25. Last evaluated: 2023-09-19. Review status: criteria provided, single submitter. Criteria: Invitae Variant Classification Sherloc (09022015). Collection method: clinical testing. Allele origin: germline.
Comment: In summary, the available evidence is currently insufficient to determine the role of this variant in disease. Therefore, it has been classified as a Variant of Uncertain Significance. Variants that disrupt the consensus splice site are a relatively common cause of aberrant splicing (PMID: 17576681, 9536098). Algorithms developed to predict the effect of sequence changes on RNA splicing suggest that this variant may disrupt the consensus splice site. This variant has not been reported in the literature in individuals affected with IL10RB-related conditions. This variant is not present in population databases (gnomAD no frequency). This sequence change affects codon 166 of the IL10RB mRNA. It is a 'silent' change, meaning that it does not change the encoded amino acid sequence of the IL10RB protein. This variant also falls at the last nucleotide of exon 4, which is part of the consensus splice site for this exon.

Literature cited by the submitters: PubMed 17576681; PubMed 9536098.

NM_000628.5(IL10RB):c.498G>A (p.Lys166=)

Genes: IL10RB (interleukin 10 receptor subunit beta; plus strand), IFNAR2-IL10RB (IFNAR2-IL10RB readthrough; plus strand). Cytogenetic location: 21q22.11.
Variant type: single nucleotide variant.
Coding change: c.498G>A on transcript NM_000628.5 (MANE Select); coding-DNA position 498, G replaced by A.
Protein change: p.Lys166=; no amino-acid change (lysine 166 retained).
Molecular consequence: synonymous variant. On other transcripts: non-coding transcript variant (1).
Genome position (GRCh38, 1-based): chr21:33,279,918, G>A. VCF-style: chr21-33279918-G-A. GRCh37 (hg19) VCF-style: chr21-34652223-G-A.
Other names: c.1158G>A, p.Lys386= (NM_001414505.1); c.498G>A, p.Lys166= (NM_001405849.1, NM_001405850.1, NM_001406840.1).
Identifiers: ClinVar variation 2761588 (VCV002761588.3), dbSNP rs1989249790, ClinGen allele CA512190326.